The following is an entry in ClinVar:

NM_024570.4(RNASEH2B):c.4del (p.Ala2fs)

Genes: RNASEH2B (ribonuclease H2 subunit B; plus strand), RNASEH2B-AS1 (RNASEH2B antisense RNA 1; minus strand), LOC130009810 (ATAC-STARR-seq lymphoblastoid silent region 5362; plus strand). Cytogenetic location: 13q14.3.
Variant type: Deletion.
Coding change: c.4del on transcript NM_024570.4 (MANE Select); coding-DNA position 4, one base deleted (G; older notation c.4delG).
Protein change: p.Ala2fs; shifts the reading frame from alanine 2.
Molecular consequence: frameshift variant, initiator codon variant.
Genome position (GRCh38, 1-based): chr13:50,910,080, G deleted; the last of 2 consecutive G bases (chr13:50,910,079-50,910,080); deleting either gives the same sequence. VCF-style (leftmost placement, unchanged base first): chr13-50910078-TG-T. GRCh37 (hg19) VCF-style: chr13-51484214-TG-T.
Other names: c.4del, p.Ala2fs (NM_001142279.2); short protein forms A2fs.
Identifiers: ClinVar variation 1451439 (VCV001451439.6), dbSNP rs2137866137, ClinGen allele CA2573149641.

ClinVar aggregate classification (germline): Pathogenic (1 of 4 stars; one submission).

Conditions:
Aicardi-Goutieres syndrome 2. Identifiers: Orphanet 51, MedGen C3489724, MONDO:0012429, OMIM 610181.

Submission:

Labcorp Genetics (formerly Invitae), Labcorp
Classification: Pathogenic for Aicardi-Goutieres syndrome 2. Last evaluated: 2022-08-31. Review status: criteria provided, single submitter. Criteria: Invitae Variant Classification Sherloc (09022015). Collection method: clinical testing. Allele origin: germline.
Comment: For these reasons, this variant has been classified as Pathogenic. ClinVar contains an entry for this variant (Variation ID: 1451439). This variant has not been reported in the literature in individuals affected with RNASEH2B-related conditions. This variant is not present in population databases (gnomAD no frequency). This sequence change creates a premature translational stop signal (p.Ala2Profs*23) in the RNASEH2B gene. It is expected to result in an absent or disrupted protein product. Loss-of-function variants in RNASEH2B are known to be pathogenic (PMID: 17846997).

Literature cited by the submitters: PubMed 17846997.